The following is an entry in ClinVar:

ClinVar aggregate classification (germline): Benign (1 of 4 stars; one submission).

Allele frequency attached by ClinVar (database versions not stated): gnomAD exomes 0.77979; gnomAD 0.80052; 1000 Genomes Project 0.80451; TOPMed 0.80454; 1000 Genomes Project 30x 0.80481.
gnomAD v4.1: 1,170,269 of 1,497,098 alleles (78%); highest among the groups gnomAD compares: Admixed American, 88%; 458,202 homozygotes.

Submission:

GeneDx
Classification: Benign. Last evaluated: 2018-06-14. Review status: criteria provided, single submitter. Criteria: GeneDx Variant Classification (06012015). Collection method: clinical testing. Allele origin: germline. Affected: yes.
Comment: This variant is considered likely benign or benign based on one or more of the following criteria: it is a conservative change, it occurs at a poorly conserved position in the protein, it is predicted to be benign by multiple in silico algorithms, and/or has population frequency not consistent with disease.

NM_182961.4(SYNE1):c.23978+93C>G

Gene: SYNE1 (spectrin repeat containing nuclear envelope protein 1; minus strand). Cytogenetic location: 6q25.2.
Variant type: single nucleotide variant.
Coding change: c.23978+93C>G on transcript NM_182961.4 (MANE Select); 93 bases into the intron after coding-DNA position 23978, C replaced by G.
Molecular consequence: intron variant.
Genome position (GRCh38, 1-based): chr6:152,155,817, G>C on the plus strand (C>G on the coding strand, the complement: SYNE1 is on the minus strand). VCF-style: chr6-152155817-G-C. GRCh37 (hg19) VCF-style: chr6-152476952-G-C.
Other names: c.23765+93C>G (NM_033071.5); c.584+93C>G (NM_001347701.2); c.443+93C>G (NM_001347702.2).
Identifiers: ClinVar variation 670212 (VCV000670212.1), dbSNP rs2813495, ClinGen allele CA15424224.
Genomic context (GRCh38, chr6:152,155,817, plus strand): 5'-CCAACTAAATGTAGACAATAGTAAGTTTGGGAAGCCACAGCTATTTTTGGACATTGTAAC[G>C]AACAGGAAAGAGTGAACAGTGGATACTCTGGGTGATTTTTATTTTCTTTTTGGTCTTTCC-3'